The following is an entry in ClinVar:

ClinVar aggregate classification (germline): Uncertain significance (1 of 4 stars; one submission).

Conditions:
Catecholaminergic polymorphic ventricular tachycardia (CVPT). Also called: Catecholamine-induced polymorphic ventricular tachycardia. Identifiers: Orphanet 3286, MedGen C5574922, MONDO:0017990.

Submission:

All of Us Research Program, National Institutes of Health
Classification: Uncertain significance for Catecholaminergic polymorphic ventricular tachycardia. Last evaluated: 2023-05-08. Review status: criteria provided, single submitter. Criteria: ACMG Guidelines, 2015. Collection method: clinical testing. Allele origin: germline. Inheritance: Autosomal dominant inheritance. Observed: 1 variant allele, 1 heterozygote.
Comment: This study involves interpretation of variants in research participants for the purpose of population health screening. Participant phenotype was not available at the time of variant classification. Additional details can be found in publication PMID: 35346344, PMCID: PMC8962531

NM_001035.3(RYR2):c.4161-1G>T

Gene: RYR2 (ryanodine receptor 2; plus strand). Cytogenetic location: 1q43.
Variant type: single nucleotide variant.
Coding change: c.4161-1G>T on transcript NM_001035.3 (MANE Select); the canonical splice acceptor site of the intron before coding-DNA position 4161, G replaced by T.
Molecular consequence: splice acceptor variant.
Genome position (GRCh38, 1-based): chr1:237,591,738, G>T. VCF-style: chr1-237591738-G-T. GRCh37 (hg19) VCF-style: chr1-237755038-G-T.
Identifiers: ClinVar variation 3070947 (VCV003070947.1), dbSNP rs2546624996, ClinGen allele CA345398191.
Genomic context (GRCh38, chr1:237,591,738, plus strand): 5'-ATATTTGAAGTAGACAGAACATTTTAATGTTGCTTATTGTTAGTCCTCTGAAATATTTCA[G>T]ATTTTTGCTTAGAAGAACAAAGCCAGATTACAGCACAAGCCATTCTGCAAGACTCACCGA-3'